The following is an entry in ClinVar:

ClinVar aggregate classification (germline): Uncertain significance. Review status: criteria provided, multiple submitters, no conflicts (2 of 4 stars). 2 submissions from 2 submitters: Uncertain significance (2). Last evaluated 2025-08-25.

Conditions:
POLD1-related polyposis and colorectal cancer syndrome (CRCS10). Also called: Colorectal cancer, susceptibility to, 10; Colorectal cancer 10; COLORECTAL CANCER, SUSCEPTIBILITY TO, ON CHROMOSOME 19q. Identifiers: Orphanet 220460, MedGen C2675481, MONDO:0012953, OMIM 612591.
Hereditary cancer-predisposing syndrome. Also called: Tumor predisposition; Hereditary Cancer Syndrome; Hereditary neoplastic syndrome; Neoplastic Syndromes, Hereditary. Identifiers: Orphanet 140162, MedGen C0027672, MeSH D009386, MONDO:0015356.

Allele frequency attached by ClinVar (database versions not stated): ExAC 0.00004; gnomAD exomes 0.00002.
gnomAD v4.1: 19 of 1,600,488 alleles (0.0012%); highest among the groups gnomAD compares: South Asian, 0.019%; 1 homozygote.

Submissions (2):

Ambry Genetics
Classification: Uncertain significance for Hereditary cancer-predisposing syndrome. Last evaluated: 2025-08-25. Review status: criteria provided, single submitter. Criteria: Ambry Variant Classification Scheme 2023. Collection method: clinical testing. Allele origin: germline.
Comment: The p.T213I variant (also known as c.638C>T), located in coding exon 5 of the POLD1 gene, results from a C to T substitution at nucleotide position 638. The threonine at codon 213 is replaced by isoleucine, an amino acid with similar properties. This amino acid position is conserved. In addition, this alteration is predicted to be tolerated by in silico analysis. Based on the available evidence, the clinical significance of this variant remains unclear.

Labcorp Genetics (formerly Invitae), Labcorp
Classification: Uncertain significance for POLD1-related polyposis and colorectal cancer syndrome. Last evaluated: 2021-11-05. Review status: criteria provided, single submitter. Criteria: Invitae Variant Classification Sherloc (09022015). Collection method: clinical testing. Allele origin: germline.
Comment: In summary, the available evidence is currently insufficient to determine the role of this variant in disease. Therefore, it has been classified as a Variant of Uncertain Significance. Algorithms developed to predict the effect of missense changes on protein structure and function output the following: SIFT: "Deleterious"; PolyPhen-2: "Benign"; Align-GVGD: "Class C0". The isoleucine amino acid residue is found in multiple mammalian species, which suggests that this missense change does not adversely affect protein function. This variant has not been reported in the literature in individuals affected with POLD1-related conditions. This variant is present in population databases (rs763479070, gnomAD 0.02%). This sequence change replaces threonine, which is neutral and polar, with isoleucine, which is neutral and non-polar, at codon 213 of the POLD1 protein (p.Thr213Ile).

NM_002691.4(POLD1):c.638C>T (p.Thr213Ile)

Gene: POLD1 (DNA polymerase delta 1, catalytic subunit; plus strand). Cytogenetic location: 19q13.33.
Variant type: single nucleotide variant.
Coding change: c.638C>T on transcript NM_002691.4 (MANE Select); coding-DNA position 638, C replaced by T.
Protein change: p.Thr213Ile; replaces threonine 213 with isoleucine.
Molecular consequence: missense variant. On other transcripts: non-coding transcript variant (1).
Genome position (GRCh38, 1-based): chr19:50,402,253, C>T. VCF-style: chr19-50402253-C-T. GRCh37 (hg19) VCF-style: chr19-50905510-C-T.
Other names: c.638C>T, p.Thr213Ile (NM_001256849.1, NM_001308632.1); c.638C>T (NM_002691.2); short protein forms T213I.
Identifiers: ClinVar variation 1406243 (VCV001406243.7), dbSNP rs763479070, ClinGen allele CA9595845.
Genomic context (GRCh38, chr19:50,402,253, plus strand): 5'-TTCCATCCACAGGCATGTTTGGGTACCACGGGCACGGCCCCTCCCCGTTCCTGCGCATCA[C>T]CGTGGCGCTGCCGCGCCTCGTGGCCCCGGCCCGCCGTCTCCTGGAACAGGGCATCCGTGT-3'
Protein context (NP_002682.2, residues 203-223): GHGPSPFLRI[Thr213Ile]VALPRLVAPA